The following is an entry in ClinVar:

ClinVar aggregate classification (germline): Pathogenic (1 of 4 stars; one submission).

Conditions:
Granulomatous disease, chronic, X-linked. Also called: CYTOCHROME b-NEGATIVE GRANULOMATOUS DISEASE, CHRONIC, X-LINKED; GRANULOMATOUS DISEASE, CHRONIC, X-LINKED, SOMATIC MOSAIC. Identifiers: Orphanet 379, MedGen C1844376, MONDO:0010600, OMIM 306400.

Submission:

Labcorp Genetics (formerly Invitae), Labcorp
Classification: Pathogenic for Granulomatous disease, chronic, X-linked. Last evaluated: 2023-08-04. Review status: criteria provided, single submitter. Criteria: Invitae Variant Classification Sherloc (09022015). Collection method: clinical testing. Allele origin: germline.
Comment: This sequence change affects a donor splice site in intron 6 of the CYBB gene. It is expected to disrupt RNA splicing. Variants that disrupt the donor or acceptor splice site typically lead to a loss of protein function (PMID: 16199547), and loss-of-function variants in CYBB are known to be pathogenic (PMID: 9585602, 20729109). This variant is not present in population databases (gnomAD no frequency). Disruption of this splice site has been observed in individuals with chronic granulomatous disease (PMID: 20729109, 26936803). ClinVar contains an entry for this variant (Variation ID: 1365509). Algorithms developed to predict the effect of sequence changes on RNA splicing suggest that this variant may disrupt the consensus splice site. For these reasons, this variant has been classified as Pathogenic.

Literature cited by the submitters: PubMed 16199547; PubMed 9585602; PubMed 20729109; PubMed 26936803.

NM_000397.4(CYBB):c.674+1G>A

Gene: CYBB (cytochrome b-245 beta chain; plus strand). Cytogenetic location: Xp21.1.
Variant type: single nucleotide variant.
Coding change: c.674+1G>A on transcript NM_000397.4 (MANE Select); the canonical splice donor site of the intron after coding-DNA position 674, G replaced by A.
Molecular consequence: splice donor variant.
Genome position (GRCh38, 1-based): chrX:37,796,142, G>A. VCF-style: chrX-37796142-G-A. GRCh37 (hg19) VCF-style: chrX-37655395-G-A.
Identifiers: ClinVar variation 1365509 (VCV001365509.6), dbSNP rs1929304640, ClinGen allele CA412976456.